The following is an entry in ClinVar:

NM_020812.4(DOCK6):c.2311C>G (p.Pro771Ala)

Gene: DOCK6 (dedicator of cytokinesis 6; minus strand). Cytogenetic location: 19p13.2.
Variant type: single nucleotide variant.
Coding change: c.2311C>G on transcript NM_020812.4 (MANE Select); coding-DNA position 2311, C replaced by G.
Protein change: p.Pro771Ala; replaces proline 771 with alanine.
Molecular consequence: missense variant.
Genome position (GRCh38, 1-based): chr19:11,236,427, G>C on the plus strand (C>G on the coding strand, the complement: DOCK6 is on the minus strand). VCF-style: chr19-11236427-G-C. GRCh37 (hg19) VCF-style: chr19-11347103-G-C.
Other names: c.2311C>G, p.Pro771Ala (NM_001367830.1); short protein forms P771A.
Identifiers: ClinVar variation 1446914 (VCV001446914.8), dbSNP rs2079848871, ClinGen allele CA404097602.

ClinVar aggregate classification (germline): Uncertain significance (1 of 4 stars; one submission).

Allele frequency attached by ClinVar (database versions not stated): gnomAD exomes below 0.00001.
gnomAD v4.1: 1 of 1,589,462 alleles (0.000063%); highest among the groups gnomAD compares: Non-Finnish European, 0.000086%; no homozygotes.

Submission:

Labcorp Genetics (formerly Invitae), Labcorp
Classification: Uncertain significance. Last evaluated: 2024-01-24. Review status: criteria provided, single submitter. Criteria: Invitae Variant Classification Sherloc (09022015). Collection method: clinical testing. Allele origin: germline.
Comment: This sequence change replaces proline, which is neutral and non-polar, with alanine, which is neutral and non-polar, at codon 771 of the DOCK6 protein (p.Pro771Ala). This variant is not present in population databases (gnomAD no frequency). This variant has not been reported in the literature in individuals affected with DOCK6-related conditions. ClinVar contains an entry for this variant (Variation ID: 1446914). Advanced modeling of protein sequence and biophysical properties (such as structural, functional, and spatial information, amino acid conservation, physicochemical variation, residue mobility, and thermodynamic stability) performed at Invitae indicates that this missense variant is not expected to disrupt DOCK6 protein function with a negative predictive value of 80%. In summary, the available evidence is currently insufficient to determine the role of this variant in disease. Therefore, it has been classified as a Variant of Uncertain Significance.